The following is an entry in ClinVar:

NM_001845.6(COL4A1):c.2110C>T (p.Pro704Ser)

Gene: COL4A1 (collagen type IV alpha 1 chain; minus strand). Cytogenetic location: 13q34.
Variant type: single nucleotide variant.
Coding change: c.2110C>T on transcript NM_001845.6 (MANE Select); coding-DNA position 2110, C replaced by T.
Protein change: p.Pro704Ser; replaces proline 704 with serine.
Molecular consequence: missense variant.
Genome position (GRCh38, 1-based): chr13:110,181,375, G>A on the plus strand (C>T on the coding strand, the complement: COL4A1 is on the minus strand). VCF-style: chr13-110181375-G-A. GRCh37 (hg19) VCF-style: chr13-110833722-G-A.
Other names: short protein forms P704S.
Identifiers: ClinVar variation 1376544 (VCV001376544.6), dbSNP rs1053283710, ClinGen allele CA256260974.

ClinVar aggregate classification (germline): Uncertain significance (1 of 4 stars; one submission).

Allele frequency attached by ClinVar (database versions not stated): TOPMed below 0.00001.

Submission:

Labcorp Genetics (formerly Invitae), Labcorp
Classification: Uncertain significance. Last evaluated: 2022-02-08. Review status: criteria provided, single submitter. Criteria: Invitae Variant Classification Sherloc (09022015). Collection method: clinical testing. Allele origin: germline.
Comment: This sequence change replaces proline, which is neutral and non-polar, with serine, which is neutral and polar, at codon 704 of the COL4A1 protein (p.Pro704Ser). This variant is not present in population databases (gnomAD no frequency). This variant has not been reported in the literature in individuals affected with COL4A1-related conditions. Advanced modeling of protein sequence and biophysical properties (such as structural, functional, and spatial information, amino acid conservation, physicochemical variation, residue mobility, and thermodynamic stability) performed at Invitae indicates that this missense variant is not expected to disrupt COL4A1 protein function. In summary, the available evidence is currently insufficient to determine the role of this variant in disease. Therefore, it has been classified as a Variant of Uncertain Significance.